The following is an entry in ClinVar:

ClinVar aggregate classification (germline): Conflicting classifications of pathogenicity. Review status: criteria provided, conflicting classifications (1 of 4 stars). 4 submissions from 4 submitters: Uncertain significance (1); Likely benign (3). Last evaluated 2026-01-14.

Conditions:
Primary ciliary dyskinesia. Also called: Ciliary dyskinesia. Identifiers: Orphanet 244, MedGen C0008780, MONDO:0016575, HP:0012265.

Allele frequency attached by ClinVar (database versions not stated): TOPMed 0.00034; gnomAD exomes 0.00036; gnomAD 0.00043; ESP Exome Variant Server 0.00051; ExAC 0.00056.
gnomAD v4.1: 576 of 1,609,028 alleles (0.036%); highest among the groups gnomAD compares: Non-Finnish European, 0.045%; 4 homozygotes.

Submissions (4):

Labcorp Genetics (formerly Invitae), Labcorp
Classification: Likely benign for Primary ciliary dyskinesia. Last evaluated: 2026-01-14. Review status: criteria provided, single submitter. Criteria: Invitae Variant Classification Sherloc (09022015). Collection method: clinical testing. Allele origin: germline.

CeGaT Center for Human Genetics Tuebingen
Classification: Likely benign. Last evaluated: 2025-11-01. Review status: criteria provided, single submitter. Criteria: CeGaT Center For Human Genetics Tuebingen Variant Classification Criteria Version 2. Collection method: clinical testing. Allele origin: germline. Affected: yes. Observed: 4 variant alleles.
Comment: DNAH11: PM2, BP4, BS2

Blueprint Genetics
Classification: Uncertain significance. Last evaluated: 2024-11-19. Review status: criteria provided, single submitter. Criteria: ACMG Guidelines, 2015. Collection method: clinical testing. Allele origin: germline.

Ambry Genetics
Classification: Likely benign for Primary ciliary dyskinesia. Last evaluated: 2022-08-26. Review status: criteria provided, single submitter. Criteria: Ambry Variant Classification Scheme 2023. Collection method: clinical testing. Allele origin: germline.

NM_001277115.2(DNAH11):c.569A>T (p.Tyr190Phe)

Gene: DNAH11 (dynein axonemal heavy chain 11; plus strand). Cytogenetic location: 7p15.3.
Variant type: single nucleotide variant.
Coding change: c.569A>T on transcript NM_001277115.2 (MANE Select); coding-DNA position 569, A replaced by T.
Protein change: p.Tyr190Phe; replaces tyrosine 190 with phenylalanine.
Molecular consequence: missense variant.
Genome position (GRCh38, 1-based): chr7:21,558,875, A>T. VCF-style: chr7-21558875-A-T. GRCh37 (hg19) VCF-style: chr7-21598493-A-T.
Other names: short protein forms Y190F.
Identifiers: ClinVar variation 359596 (VCV000359596.42), dbSNP rs201793112, ClinGen allele CA4178715.